The following is an entry in ClinVar:

NM_182961.4(SYNE1):c.9844C>G (p.His3282Asp)

Gene: SYNE1 (spectrin repeat containing nuclear envelope protein 1; minus strand). Cytogenetic location: 6q25.2.
Variant type: single nucleotide variant.
Coding change: c.9844C>G on transcript NM_182961.4 (MANE Select); coding-DNA position 9844, C replaced by G.
Protein change: p.His3282Asp; replaces histidine 3282 with aspartic acid.
Molecular consequence: missense variant.
Genome position (GRCh38, 1-based): chr6:152,367,346, G>C on the plus strand (C>G on the coding strand, the complement: SYNE1 is on the minus strand). VCF-style: chr6-152367346-G-C. GRCh37 (hg19) VCF-style: chr6-152688481-G-C.
Other names: c.9865C>G, p.His3289Asp (NM_033071.5); short protein forms H3282D, H3289D.
Identifiers: ClinVar variation 5006984 (VCV005006984.2).

ClinVar aggregate classification (germline): Uncertain significance (1 of 4 stars; one submission).

Conditions:
Autosomal recessive ataxia, Beauce type. Also called: Spinocerebellar ataxia, autosomal recessive 8; SYNE1 Deficiency; ATAXIA, RECESSIVE, OF BEAUCE; SYNE1-Related Autosomal Recessive Cerebellar Ataxia. Identifiers: Orphanet 88644, MedGen C1853116, MONDO:0012549, OMIM 610743.

Submission:

Juno Genomics, Hangzhou Juno Genomics, Inc
Classification: Uncertain significance for Autosomal recessive ataxia, Beauce type. Review status: criteria provided, single submitter. Criteria: ACMG Guidelines, 2015. Collection method: clinical testing. Allele origin: germline.
Comment: Absent from controls (or at extremely low frequency if recessive) in Genome Aggregation Database.;Missense variant in a gene that has a low rate of benign missense variation.